The following is an entry in ClinVar:

ClinVar aggregate classification (germline): Pathogenic. Review status: criteria provided, multiple submitters, no conflicts (2 of 4 stars). 4 submissions from 4 submitters: Pathogenic (4). Last evaluated 2025-03-31.

Conditions:
Hereditary cancer-predisposing syndrome. Also called: Tumor predisposition; Hereditary neoplastic syndrome; Neoplastic Syndromes, Hereditary; Hereditary Cancer Syndrome. Identifiers: Orphanet 140162, MedGen C0027672, MeSH D009386, MONDO:0015356.
Familial adenomatous polyposis 1 (FAP1). Also called: POLYPOSIS, ADENOMATOUS INTESTINAL; FAMILIAL ADENOMATOUS POLYPOSIS 1, ATTENUATED. Identifiers: MedGen C2713442, MONDO:0021056, OMIM 175100. Disease mechanism: loss of function.

Submissions (4):

Labcorp Genetics (formerly Invitae), Labcorp
Classification: Pathogenic for Familial adenomatous polyposis 1. Last evaluated: 2025-03-31. Review status: criteria provided, single submitter. Criteria: Invitae Variant Classification Sherloc (09022015). Collection method: clinical testing. Allele origin: germline.
Comment: This sequence change affects an acceptor splice site in intron 4 of the APC gene. It is expected to disrupt RNA splicing. Variants that disrupt the donor or acceptor splice site typically lead to a loss of protein function (PMID: 16199547), and loss-of-function variants in APC are known to be pathogenic (PMID: 17963004, 20685668). This variant is not present in population databases (gnomAD no frequency). Disruption of this splice site has been observed in individuals with clinical features of familial adenomatous polyposis (PMID: 15459959). ClinVar contains an entry for this variant (Variation ID: 1071890). Algorithms developed to predict the effect of sequence changes on RNA splicing suggest that this variant may disrupt the consensus splice site. For these reasons, this variant has been classified as Pathogenic.

Myriad Genetics, Inc.
Classification: Pathogenic for Familial adenomatous polyposis 1. Last evaluated: 2023-05-03. Review status: criteria provided, single submitter. Criteria: Myriad Autosomal Dominant, Autosomal Recessive and X-Linked Classification Criteria (2023). Collection method: clinical testing. Allele origin: unknown.
Comment: This variant is considered pathogenic. This variant occurs within a consensus splice junction and is predicted to result in abnormal mRNA splicing of either an out-of-frame exon or an in-frame exon necessary for protein stability and/or normal function. mRNA analysis has demonstrated abnormal mRNA splicing occurs [PMID: 15459959].

Ambry Genetics
Classification: Pathogenic for Hereditary cancer-predisposing syndrome. Last evaluated: 2023-03-23. Review status: criteria provided, single submitter. Criteria: Ambry Variant Classification Scheme 2023. Collection method: clinical testing. Allele origin: germline.
Comment: The c.423-2A>C intronic pathogenic mutation results from an A to C substitution two nucleotides upstream from coding exon 4 in the APC gene. RNA studies have demonstrated that this alteration results in abnormal splicing in the set of samples tested (Ambry internal data). Other alterations impacting the same acceptor site (c.423-2A>T, c.423-2A>G) have been observed in patients with APC-related disease and have been shown to have a similar impact on splicing (Ambry internal data; Aretz et al. Hum Mutat 2004 Nov;24(5):370-80; Friedl et al. Hered Cancer Clin Pract 2005 Sep;3(3):95-114; Rivera B et al. Ann Oncol, 2011 Apr;22:903-909; Papp J et al. Fam Cancer, 2016 Jan;15:85-97; Castellsagu&eacute; E et al. Gastroenterology, 2010 Aug;139:439-47, 447.e1). This nucleotide position is highly conserved in available vertebrate species. In silico splice site analysis predicts that this alteration will weaken the native splice acceptor site. This variant is considered to be rare based on population cohorts in the Genome Aggregation Database (gnomAD). Based on the supporting evidence, this alteration is interpreted as a disease-causing mutation.

Baylor Genetics
Classification: Pathogenic for Familial adenomatous polyposis 1. Last evaluated: 2022-09-05. Review status: criteria provided, single submitter. Criteria: ACMG Guidelines, 2015. Collection method: clinical testing. Allele origin: unknown.

Literature cited by the submitters: PubMed 16199547 (cited by Labcorp Genetics (formerly Invitae), Labcorp); PubMed 17963004 (cited by Labcorp Genetics (formerly Invitae), Labcorp); PubMed 20685668 (cited by Labcorp Genetics (formerly Invitae), Labcorp); PubMed 15459959 (cited by Labcorp Genetics (formerly Invitae), Labcorp and Myriad Genetics, Inc.).

NM_000038.6(APC):c.423-2A>C

Gene: APC (APC regulator of Wnt signaling pathway; plus strand). Cytogenetic location: 5q22.2.
Variant type: single nucleotide variant.
Coding change: c.423-2A>C on transcript NM_000038.6 (MANE Select); the canonical splice acceptor site of the intron before coding-DNA position 423, A replaced by C.
Molecular consequence: splice acceptor variant.
Genome position (GRCh38, 1-based): chr5:112,775,627, A>C. VCF-style: chr5-112775627-A-C. GRCh37 (hg19) VCF-style: chr5-112111324-A-C.
Other names: c.423-2A>C (NM_000038.5, NM_001407447.1, NM_001354895.2 and 17 more transcripts); c.-613-2A>C (NM_001407470.1, NM_001407472.1, NM_001354906.2 and 1 more transcripts); c.453-2A>C (NM_001407446.1, NM_001354897.2, NM_001354902.2 and 1 more transcripts); c.246-2A>C (NM_001407453.1, NM_001354900.2, NM_001354901.2 and 1 more transcripts); c.348-2A>C (NM_001407451.1, NM_001354898.2, NM_001354904.2).
Identifiers: ClinVar variation 1071890 (VCV001071890.14), dbSNP rs879254087, ClinGen allele CA360617484.
Genomic context (GRCh38, chr5:112,775,627, plus strand): 5'-GCTCTTCTGCAGTCTTTATTAGCATTGTTTAAACGTACCTTTTTTTAAAAAAAAAAAAAT[A>C]GGTCATTGCTTCTTGCTGATCTTGACAAAGAAGAAAAGGAAAAAGACTGGTATTACGCTC-3'